The following is an entry in ClinVar:

ClinVar aggregate classification (germline): Likely benign. Review status: criteria provided, multiple submitters, no conflicts (2 of 4 stars). 3 submissions from 3 submitters: Likely benign (3). Last evaluated 2024-09-18.

Allele frequency attached by ClinVar (database versions not stated): gnomAD 0.00007 and 0.00006; TOPMed 0.00002; gnomAD exomes 0.00004.
gnomAD v4.1: 65 of 1,533,688 alleles (0.0042%); highest among the groups gnomAD compares: Admixed American, 0.0098%; no homozygotes.

Submissions (3):

Blueprint Genetics
Classification: Likely benign. Last evaluated: 2024-09-18. Review status: criteria provided, single submitter. Criteria: ACMG Guidelines, 2015. Collection method: clinical testing. Allele origin: germline.

Labcorp Genetics (formerly Invitae), Labcorp
Classification: Likely benign. Last evaluated: 2024-04-25. Review status: criteria provided, single submitter. Criteria: Invitae Variant Classification Sherloc (09022015). Collection method: clinical testing. Allele origin: germline.

CeGaT Center for Human Genetics Tuebingen
Classification: Likely benign. Last evaluated: 2022-04-01. Review status: criteria provided, single submitter. Criteria: CeGaT Center For Human Genetics Tuebingen Variant Classification Criteria Version 2. Collection method: clinical testing. Allele origin: germline. Affected: yes. Observed: 1 variant allele.
Comment: PDZD7: BP4, BP7

NM_001195263.2(PDZD7):c.2013C>T (p.Arg671=)

Gene: PDZD7 (PDZ domain containing 7; minus strand). Cytogenetic location: 10q24.31.
Variant type: single nucleotide variant.
Coding change: c.2013C>T on transcript NM_001195263.2 (MANE Select); coding-DNA position 2013, C replaced by T.
Protein change: p.Arg671=; no amino-acid change (arginine 671 retained).
Molecular consequence: synonymous variant.
Genome position (GRCh38, 1-based): chr10:101,010,876, G>A on the plus strand (C>T on the coding strand, the complement: PDZD7 is on the minus strand). VCF-style: chr10-101010876-G-A. GRCh37 (hg19) VCF-style: chr10-102770633-G-A.
Identifiers: ClinVar variation 1114262 (VCV001114262.32), dbSNP rs978580047, ClinGen allele CA212978987.